The following is an entry in ClinVar:

ClinVar aggregate classification (germline): Likely benign (0 of 4 stars; one submission).

Conditions:
ARL6-related disorder. Also called: ARL6-related condition.

gnomAD v4.1: 13 of 1,608,376 alleles (0.00081%); highest among the groups gnomAD compares: Non-Finnish European, 0.0011%; no homozygotes.

Submission:

PreventionGenetics, part of Exact Sciences
Classification: Likely benign for ARL6-related condition. Last evaluated: 2024-05-02. Review status: no assertion criteria provided. Collection method: clinical testing. Allele origin: germline.
Comment: This variant is classified as likely benign based on ACMG/AMP sequence variant interpretation guidelines (Richards et al. 2015 PMID: 25741868, with internal and published modifications).

NM_001278293.3(ARL6):c.54T>A (p.Val18=)

Gene: ARL6 (ARF like GTPase 6; plus strand). Cytogenetic location: 3q11.2.
Variant type: single nucleotide variant.
Coding change: c.54T>A on transcript NM_001278293.3 (MANE Select); coding-DNA position 54, T replaced by A.
Protein change: p.Val18=; no amino-acid change (valine 18 retained).
Molecular consequence: synonymous variant. On other transcripts: non-coding transcript variant (7).
Genome position (GRCh38, 1-based): chr3:97,768,161, T>A. VCF-style: chr3-97768161-T-A. GRCh37 (hg19) VCF-style: chr3-97487005-T-A.
Other names: c.54T>A, p.Val18= (NM_001323513.2, NM_001323514.2, NM_032146.5 and 1 more transcripts).
Identifiers: ClinVar variation 3347806 (VCV003347806.1).